The following is an entry in ClinVar:

ClinVar aggregate classification (germline): Uncertain significance. Review status: criteria provided, multiple submitters, no conflicts (2 of 4 stars). 2 submissions from 2 submitters: Uncertain significance (2). Last evaluated 2023-05-12.

Conditions:
Early-infantile DEE. Also called: Early infantile epileptic encephalopathy; Early infantile epileptic encephalopathy with suppression bursts; Ohtahara syndrome. Identifiers: Orphanet 1934, MedGen C0393706, MONDO:0800491.

gnomAD v4.1: 1 of 1,613,844 alleles (0.000062%); no homozygotes.

Submissions (2):

Labcorp Genetics (formerly Invitae), Labcorp
Classification: Uncertain significance for Early-infantile DEE. Last evaluated: 2023-05-12. Review status: criteria provided, single submitter. Criteria: Invitae Variant Classification Sherloc (09022015). Collection method: clinical testing. Allele origin: germline.
Comment: This variant has not been reported in the literature in individuals affected with SCN1A-related conditions. ClinVar contains an entry for this variant (Variation ID: 1314555). This variant is not present in population databases (gnomAD no frequency). This sequence change replaces alanine, which is neutral and non-polar, with aspartic acid, which is acidic and polar, at codon 1895 of the SCN1A protein (p.Ala1895Asp). In summary, the available evidence is currently insufficient to determine the role of this variant in disease. Therefore, it has been classified as a Variant of Uncertain Significance. Advanced modeling of protein sequence and biophysical properties (such as structural, functional, and spatial information, amino acid conservation, physicochemical variation, residue mobility, and thermodynamic stability) performed at Invitae indicates that this missense variant is expected to disrupt SCN1A protein function.

GeneDx
Classification: Uncertain significance. Last evaluated: 2021-04-02. Review status: criteria provided, single submitter. Criteria: GeneDx Variant Classification Process June 2021. Collection method: clinical testing. Allele origin: germline. Affected: yes.
Comment: Not observed in large population cohorts (Lek et al., 2016); Missense variants in this gene are often considered pathogenic (Stenson et al., 2014); In silico analysis supports that this missense variant has a deleterious effect on protein structure/function; Has not been previously published as pathogenic or benign to our knowledge; This substitution is predicted to be within the C-terminal cytoplasmic domain.

NM_001165963.4(SCN1A):c.5684C>A (p.Ala1895Asp)

Genes: SCN1A (sodium voltage-gated channel alpha subunit 1; minus strand), LOC102724058 (uncharacterized LOC102724058; plus strand). Cytogenetic location: 2q24.3.
Variant type: single nucleotide variant.
Coding change: c.5684C>A on transcript NM_001165963.4 (MANE Select); coding-DNA position 5684, C replaced by A.
Protein change: p.Ala1895Asp; replaces alanine 1895 with aspartic acid.
Molecular consequence: missense variant. On other transcripts: non-coding transcript variant (1).
Genome position (GRCh38, 1-based): chr2:165,991,591, G>T on the plus strand (C>A on the coding strand, the complement: SCN1A is on the minus strand). VCF-style: chr2-165991591-G-T. GRCh37 (hg19) VCF-style: chr2-166848101-G-T.
Other names: c.5600C>A, p.Ala1867Asp (NM_001165964.3, NM_001353957.2, NM_001353958.2); c.5684C>A, p.Ala1895Asp (NM_001202435.3, NM_001353948.2); c.5651C>A, p.Ala1884Asp (NM_001353949.2, NM_001353950.2, NM_001353951.2 and 2 more transcripts); c.5648C>A, p.Ala1883Asp (NM_001353954.2, NM_001353955.2); c.5597C>A, p.Ala1866Asp (NM_001353960.2); c.3242C>A, p.Ala1081Asp (NM_001353961.2); short protein forms A1081D, A1866D, A1867D, A1883D, A1884D, A1895D.
Identifiers: ClinVar variation 1314555 (VCV001314555.5), dbSNP rs1039777371, ClinGen allele CA59797985.
Genomic context (GRCh38, chr2:165,991,591, plus strand): 5'-TCTTGTTTTCGTTTTAAAGTAGTAGTGATTGGCTGATAGGAGACCTTGGAAGGATTGGAA[G>T]CCATGAATCGCTCTTCCATCTGTATTCGTAGAGCATCCATCTCTCCACTCTCTCCTAGAA-3'
Protein context (NP_001159435.1, residues 1885-1905): LRIQMEERFM[Ala1895Asp]SNPSKVSYQP